The following is an entry in ClinVar:

ClinVar aggregate classification (germline): Uncertain significance (1 of 4 stars; one submission).

Conditions:
Familial thoracic aortic aneurysm and aortic dissection (TAAD). Also called: Thoracic aortic aneurysms and dissections. Identifiers: Orphanet 91387, MedGen C4707243, MONDO:0019625.

Submission:

Ambry Genetics
Classification: Uncertain significance for Familial thoracic aortic aneurysm and aortic dissection. Last evaluated: 2026-01-12. Review status: criteria provided, single submitter. Criteria: Ambry Variant Classification Scheme 2023. Collection method: clinical testing. Allele origin: germline.
Comment: The p.A439S variant (also known as c.1315G>T), located in coding exon 19 of the COL3A1 gene, results from a G to T substitution at nucleotide position 1315. The alanine at codon 439 is replaced by serine, an amino acid with similar properties. This amino acid position is conserved. In addition, this alteration is predicted to be tolerated by in silico analysis. Based on the available evidence, the clinical significance of this variant remains unclear.

NM_000090.4(COL3A1):c.1315G>T (p.Ala439Ser)

Gene: COL3A1 (collagen type III alpha 1 chain; plus strand). Cytogenetic location: 2q32.2.
Variant type: single nucleotide variant.
Coding change: c.1315G>T on transcript NM_000090.4 (MANE Select); coding-DNA position 1315, G replaced by T.
Protein change: p.Ala439Ser; replaces alanine 439 with serine.
Molecular consequence: missense variant.
Genome position (GRCh38, 1-based): chr2:188,994,562, G>T. VCF-style: chr2-188994562-G-T. GRCh37 (hg19) VCF-style: chr2-189859288-G-T.
Other names: short protein forms A439S.
Identifiers: ClinVar variation 4843323 (VCV004843323.1).